The following is an entry in ClinVar:

ClinVar aggregate classification (germline): Pathogenic/Likely pathogenic. Review status: criteria provided, multiple submitters, no conflicts (2 of 4 stars). 2 submissions from 2 submitters: Pathogenic (1); Likely pathogenic (1). Last evaluated 2024-12-14.

Conditions:
Juvenile myelomonocytic leukemia (JMML). Also called: LEUKEMIA, JUVENILE MYELOMONOCYTIC, SOMATIC. Identifiers: Orphanet 86834, MedGen C0349639, MONDO:0011908, OMIM 607785, HP:0012209.
Neurofibromatosis, type 1 (NF1). Also called: NEUROFIBROMATOSIS, TYPE I, SOMATIC; Peripheral type neurofibromatosis; VON RECKLINGHAUSEN DISEASE; Neurofibromatosis, type I. Identifiers: Orphanet 636, MedGen C0027831, MONDO:0018975, OMIM 162200. Disease mechanism: loss of function.

Submissions (2):

Labcorp Genetics (formerly Invitae), Labcorp
Classification: Pathogenic for Neurofibromatosis, type 1. Last evaluated: 2024-12-14. Review status: criteria provided, single submitter. Criteria: Invitae Variant Classification Sherloc (09022015). Collection method: clinical testing. Allele origin: germline.
Comment: This sequence change creates a premature translational stop signal (p.Tyr49Serfs*7) in the NF1 gene. It is expected to result in an absent or disrupted protein product. Loss-of-function variants in NF1 are known to be pathogenic (PMID: 10712197, 23913538). This variant is not present in population databases (gnomAD no frequency). This variant has not been reported in the literature in individuals affected with NF1-related conditions. ClinVar contains an entry for this variant (Variation ID: 2677229). For these reasons, this variant has been classified as Pathogenic.

Baylor Genetics
Classification: Likely pathogenic for Juvenile myelomonocytic leukemia. Last evaluated: 2022-08-25. Review status: criteria provided, single submitter. Criteria: ACMG Guidelines, 2015. Collection method: clinical testing. Allele origin: unknown.

Literature cited by the submitters: PubMed 10712197 (cited by Labcorp Genetics (formerly Invitae), Labcorp); PubMed 23913538 (cited by Labcorp Genetics (formerly Invitae), Labcorp).

NM_001042492.3(NF1):c.146del (p.Tyr49fs)

Gene: NF1 (neurofibromin 1; plus strand). Cytogenetic location: 17q11.2.
Variant type: Deletion.
Coding change: c.146del on transcript NM_001042492.3 (MANE Select); coding-DNA position 146, one base deleted (A; older notation c.146delA).
Protein change: p.Tyr49fs; shifts the reading frame from tyrosine 49.
Molecular consequence: frameshift variant.
Genome position (GRCh38, 1-based): chr17:31,156,068, A deleted. VCF-style (leftmost placement, unchanged base first): chr17-31156067-TA-T. GRCh37 (hg19) VCF-style: chr17-29483085-TA-T.
Other names: c.146delA, p.Tyr49Serfs (NM_000267.4); c.146del, p.Tyr49fs (NM_001128147.3); short protein forms Y49fs.
Identifiers: ClinVar variation 2677229 (VCV002677229.3), dbSNP rs2544681396, ClinGen allele CA2695201262.